The following is an entry in ClinVar:

ClinVar aggregate classification (germline): Benign. Review status: criteria provided, multiple submitters, no conflicts (2 of 4 stars). 3 submissions from 3 submitters: Benign (3). Last evaluated 2021-11-07.

Conditions:
Charcot-Marie-Tooth disease type 4B2. Also called: CHARCOT-MARIE-TOOTH DISEASE, WITH FOCALLY FOLDED MYELIN SHEATHS, AUTOSOMAL RECESSIVE, TYPE 4B2; CHARCOT-MARIE-TOOTH DISEASE, DEMYELINATING, TYPE 4B2; Charcot-Marie-Tooth Neuropathy Type 4B2; CMT 4B2. Identifiers: Orphanet 99956, MedGen C1858278, MONDO:0011475, OMIM 604563.

Allele frequency attached by ClinVar (database versions not stated): 1000 Genomes Project 0.63558; 1000 Genomes Project 30x 0.64022; TOPMed 0.76872; gnomAD exomes 0.77047 and 0.82716; ExAC 0.77271; gnomAD 0.78994 and 0.79947; ESP Exome Variant Server 0.81501.
gnomAD v4.1: 1,309,548 of 1,592,472 alleles (82%); highest among the groups gnomAD compares: Non-Finnish European, 86%; 547,973 homozygotes.

Submissions (3):

Genome-Nilou Lab
Classification: Benign for Charcot-Marie-Tooth disease type 4B2. Last evaluated: 2021-11-07. Review status: criteria provided, single submitter. Criteria: ACMG Guidelines, 2015. Collection method: clinical testing. Allele origin: germline. Affected: no.

GeneDx
Classification: Benign. Last evaluated: 2018-06-14. Review status: criteria provided, single submitter. Criteria: GeneDx Variant Classification (06012015). Collection method: clinical testing. Allele origin: germline. Affected: yes.
Comment: This variant is considered likely benign or benign based on one or more of the following criteria: it is a conservative change, it occurs at a poorly conserved position in the protein, it is predicted to be benign by multiple in silico algorithms, and/or has population frequency not consistent with disease.

Breakthrough Genomics
Classification: Benign. Review status: criteria provided, single submitter. Criteria: ACMG Guidelines, 2015. Collection method: not provided. Allele origin: germline. Inheritance: Autosomal recessive inheritance. Affected: yes.

NM_030962.4(SBF2):c.3455+36C>T

Genes: SBF2 (SET binding factor 2; minus strand), LOC101928008 (uncharacterized LOC101928008; plus strand). Cytogenetic location: 11p15.4.
Variant type: single nucleotide variant.
Coding change: c.3455+36C>T on transcript NM_030962.4 (MANE Select); 36 bases into the intron after coding-DNA position 3455, C replaced by T.
Molecular consequence: intron variant.
Genome position (GRCh38, 1-based): chr11:9,839,462, G>A on the plus strand (C>T on the coding strand, the complement: SBF2 is on the minus strand). VCF-style: chr11-9839462-G-A. GRCh37 (hg19) VCF-style: chr11-9861009-G-A.
Other names: c.3326+36C>T (NM_001386342.1); c.3455+36C>T (NM_001386339.1).
Identifiers: ClinVar variation 670562 (VCV000670562.4), dbSNP rs7483882, ClinGen allele CA5881272.